The following is an entry in ClinVar:

NM_004329.3(BMPR1A):c.531-1G>T

Gene: BMPR1A (bone morphogenetic protein receptor type 1A; plus strand). Cytogenetic location: 10q23.2.
Variant type: single nucleotide variant.
Coding change: c.531-1G>T on transcript NM_004329.3 (MANE Select); the canonical splice acceptor site of the intron before coding-DNA position 531, G replaced by T.
Molecular consequence: splice acceptor variant. On other transcripts: intron variant (1).
Genome position (GRCh38, 1-based): chr10:86,912,239, G>T. VCF-style: chr10-86912239-G-T. GRCh37 (hg19) VCF-style: chr10-88671996-G-T.
Other names: c.531-1G>T (NM_001406562.1, NM_001406568.1, NM_001406567.1 and 20 more transcripts); c.447-1G>T (NM_001406584.1, NM_001406588.1, NM_001406587.1 and 2 more transcripts); c.579-1G>T (NM_001406560.1); c.606-1G>T (NM_001406559.1); c.334-4895G>T (NM_001406589.1).
Identifiers: ClinVar variation 825638 (VCV000825638.17), dbSNP rs1589288524, ClinGen allele CA377453996.

ClinVar aggregate classification (germline): Likely pathogenic. Review status: criteria provided, multiple submitters, no conflicts (2 of 4 stars). 3 submissions from 3 submitters: Likely pathogenic (3). Last evaluated 2025-01-24.

Conditions:
Juvenile polyposis syndrome (JPS). Identifiers: Orphanet 2929, MedGen C0345893, MONDO:0017380, OMIM 174900.
Hereditary cancer-predisposing syndrome. Also called: Tumor predisposition; Hereditary Cancer Syndrome; Neoplastic Syndromes, Hereditary; Hereditary neoplastic syndrome. Identifiers: Orphanet 140162, MedGen C0027672, MeSH D009386, MONDO:0015356.
Polyposis syndrome, hereditary mixed, 2. Identifiers: Orphanet 157794, MedGen C1864730, MONDO:0012405, OMIM 610069.

Submissions (3):

Ambry Genetics
Classification: Likely pathogenic for Hereditary cancer-predisposing syndrome. Last evaluated: 2025-01-24. Review status: criteria provided, single submitter. Criteria: Ambry Variant Classification Scheme 2023. Collection method: clinical testing. Allele origin: germline.
Comment: The c.531-1G>T intronic variant results from a G to T substitution one nucleotide upstream from coding exon 6 of the BMPR1A gene. This variant is considered to be rare based on population cohorts in the Genome Aggregation Database (gnomAD). This nucleotide position is highly conserved in available vertebrate species. In silico splice site analysis predicts that this alteration will weaken the native splice acceptor site and may result in the creation or strengthening of a novel splice acceptor site. Alterations that disrupt the canonical splice site are expected to cause aberrant splicing, resulting in an abnormal protein or a transcript that is subject to nonsense-mediated mRNA decay. As such, this alteration is classified as likely pathogenic.

Labcorp Genetics (formerly Invitae), Labcorp
Classification: Likely pathogenic for Juvenile polyposis syndrome. Last evaluated: 2020-10-28. Review status: criteria provided, single submitter. Criteria: Invitae Variant Classification Sherloc (09022015). Collection method: clinical testing. Allele origin: germline.
Comment: In summary, the currently available evidence indicates that the variant is pathogenic, but additional data are needed to prove that conclusively. Therefore, this variant has been classified as Likely Pathogenic. Donor and acceptor splice site variants typically lead to a loss of protein function (PMID: 16199547), and loss-of-function variants in BMPR1A are known to be pathogenic (PMID: 11536076, 12417513). Algorithms developed to predict the effect of sequence changes on RNA splicing suggest that this variant may disrupt the consensus splice site, but this prediction has not been confirmed by published transcriptional studies. This variant has not been reported in the literature in individuals with BMPR1A-related conditions. ClinVar contains an entry for this variant (Variation ID: 825638). This variant is not present in population databases (ExAC no frequency). This sequence change affects an acceptor splice site in intron 7 of the BMPR1A gene. It is expected to disrupt RNA splicing and likely results in an absent or disrupted protein product.

Genetics and Molecular Pathology, SA Pathology
Classification: Likely pathogenic for Polyposis syndrome, hereditary mixed, 2. Last evaluated: 2020-10-14. Review status: criteria provided, single submitter. Criteria: ACMG Guidelines, 2015. Collection method: clinical testing. Allele origin: germline. Affected: yes.

Literature cited by the submitters: PubMed 16199547 (cited by Labcorp Genetics (formerly Invitae), Labcorp); PubMed 11536076 (cited by Labcorp Genetics (formerly Invitae), Labcorp); PubMed 12417513 (cited by Labcorp Genetics (formerly Invitae), Labcorp).